The following is an entry in ClinVar:

ClinVar aggregate classification (germline): Pathogenic/Likely pathogenic. Review status: criteria provided, multiple submitters, no conflicts (2 of 4 stars). 13 submissions from 13 submitters: Pathogenic (9); Likely pathogenic (1). 3 of the submissions do not count toward it. Last evaluated 2026-01-26.

Conditions:
HLCS-related disorders.
Holocarboxylase synthetase deficiency. Also called: MULTIPLE CARBOXYLASE DEFICIENCY, EARLY ONSET. Identifiers: Orphanet 79242, MedGen C0268581, MONDO:0009666, OMIM 253270.

Allele frequency attached by ClinVar (database versions not stated): gnomAD exomes 0.00003 and 0.00001; gnomAD 0.00001; TOPMed 0.00005; ExAC 0.00003.
gnomAD v4.1: 13 of 1,614,014 alleles (0.00081%); highest among the groups gnomAD compares: East Asian, 0.018%; no homozygotes.

Submissions (13):

Medical and Scientific Branch, Hong Kong Genome Institute
Classification: Likely pathogenic for Holocarboxylase synthetase deficiency. Last evaluated: 2026-01-26. Review status: criteria provided, single submitter. Criteria: ACMG Guidelines, 2015. Collection method: clinical testing. Allele origin: biparental. Affected: yes.

Natera, Inc.
Classification: Pathogenic for Holocarboxylase synthetase deficiency. Last evaluated: 2025-08-15. Review status: criteria provided, single submitter. Criteria: Natera Variant Classification Schema (03/2026). Collection method: clinical testing. Allele origin: germline.
Comment: The c.1522C>T variant in HLCS is a missense variant predicted to cause substitution of arginine to tryptophan at amino acid 508. This variant is rare in the general population with a frequency below the threshold expected for the associated phenotype(s). This variant has been observed in one or more individuals affected with the associated recessive disease, as either homozygous or compound heterozygous with a second variant (PMID: 9870216, 8817339). Given the available evidence, this variant is classified as Pathogenic.

Labcorp Genetics (formerly Invitae), Labcorp
Classification: Pathogenic for Holocarboxylase synthetase deficiency. Last evaluated: 2024-07-01. Review status: criteria provided, single submitter. Criteria: Invitae Variant Classification Sherloc (09022015). Collection method: clinical testing. Allele origin: germline.
Comment: This sequence change replaces arginine, which is basic and polar, with tryptophan, which is neutral and slightly polar, at codon 508 of the HLCS protein (p.Arg508Trp). This variant is present in population databases (rs119103229, gnomAD 0.02%). This missense change has been observed in individual(s) with holocarboxylase synthetase deficiency (PMID: 8817339, 11185745, 16231399, 17407983, 21874615). In at least one individual the data is consistent with being in trans (on the opposite chromosome) from a pathogenic variant. ClinVar contains an entry for this variant (Variation ID: 1909). An algorithm developed to predict the effect of missense changes on protein structure and function (PolyPhen-2) suggests that this variant is likely to be disruptive. Experimental studies have shown that this missense change affects HLCS function (PMID: 10068510, 20026029). For these reasons, this variant has been classified as Pathogenic.

Fulgent Genetics
Classification: Pathogenic for Holocarboxylase synthetase deficiency. Last evaluated: 2024-03-06. Review status: criteria provided, single submitter. Criteria: ACMG Guidelines, 2015. Collection method: clinical testing. Allele origin: germline.

Blueprint Genetics
Classification: Pathogenic for HLCS-related disorders. Last evaluated: 2024-02-21. Review status: criteria provided, single submitter. Criteria: ACMG Guidelines, 2015. Collection method: clinical testing. Allele origin: germline. Affected: yes. Observed: 2 variant alleles.

Revvity Omics, Revvity
Classification: Pathogenic for Holocarboxylase synthetase deficiency. Last evaluated: 2022-11-30. Review status: criteria provided, single submitter. Criteria: ACMG Guidelines, 2015. Collection method: clinical testing. Allele origin: germline.

Victorian Clinical Genetics Services, Murdoch Childrens Research Institute
Classification: Pathogenic for Holocarboxylase synthetase deficiency. Last evaluated: 2020-10-19. Review status: criteria provided, single submitter. Criteria: ACMG Guidelines, 2015. Collection method: clinical testing. Allele origin: germline. Inheritance: Autosomal recessive inheritance. Affected: no.
Comment: Based on the classification scheme VCGS_Germline_v1.3.3, this variant is classified as Pathogenic. Following criteria are met: 0102 - Loss of function is a known mechanism of disease in this gene and is associated with holocarboxylase synthetase deficiency, (MIM#253270). (I) 0106 - This gene is associated with autosomal recessive disease. (I) 0200 - Variant is predicted to result in a missense amino acid change from arginine to tryptophan. (I) 0251 - This variant is heterozygous. (I) 0304 - Variant is present in gnomAD v2 <0.01 for a recessive condition (7 heterozygotes, 0 homozygotes). (SP) 0309 - An alternative amino acid change at the same position has been observed in gnomAD (v2) (1 heterozygote, 0 homozygotes). (I) 0501 - Missense variant consistently predicted to be damaging by multiple in silico tools or highly conserved with a major amino acid change. (SP) 0600 - Variant is located in the annotated active site within the BPL domain (NCBI). (I) 0801 - This variant has strong previous evidence of pathogenicity in unrelated individuals. This variant has been reported as pathogenic, and in multiple homozygous and compound heterozygous patients with late onset holocarboxylase synthetase deficiency (ClinVar, PMID: 12633764, PMID: 21874615, PMID: 32358368). (SP) 1002 - This variant has moderate functional evidence supporting abnormal protein function. Functional studies on transfected cells have shown this mutant protein has impaired interaction with Syn67 (PMID: 20026029). (SP) 1208 - Inheritance information for this variant is not currently available in this individual. (I) Legend: (SP) - Supporting pathogenic, (I) - Information, (SB) - Supporting benign

Women's Health and Genetics/Laboratory Corporation of America, LabCorp
Classification: Pathogenic for Holocarboxylase synthetase deficiency. Last evaluated: 2018-10-25. Review status: criteria provided, single submitter. Criteria: LabCorp Variant Classification Summary - May 2015. Collection method: clinical testing. Allele origin: germline.
Comment: Variant summary: HLCS c.1522C>T (p.Arg508Trp) results in a non-conservative amino acid change located in the Biotinyl protein ligase (BPL) and lipoyl protein ligase (LPL), catalytic domains of the encoded protein sequence. Five of five in-silico tools predict a damaging effect of the variant on protein function. The variant is located at the third exonic nucleotide from a splice junction, suggesting it may impact normal splicing. 5/5 computational tools predict no significant impact on normal splicing. However, these predictions have yet to be confirmed by functional studies. The variant allele was found at a frequency of 2.4e-05 in 246292 control chromosomes (gnomAD). The variant, c.1522C>T, has been reported in the literature in multiple homozygous individuals affected with Holocarboxylase Synthetase Deficiency (Malvagia_2005, Tang_2003, Hui_2011). These data indicate that the variant is very likely to be associated with disease. To our knowledge, no experimental evidence demonstrating an impact on protein function has been reported. One clinical diagnostic laboratory has submitted clinical-significance assessments for this variant to ClinVar after 2014 without evidence for independent evaluation and classified the variant as pathogenic. Based on the evidence outlined above, the variant was classified as pathogenic.

Juno Genomics, Hangzhou Juno Genomics, Inc
Classification: Pathogenic for Holocarboxylase synthetase deficiency. Review status: criteria provided, single submitter. Criteria: ACMG Guidelines, 2015. Collection method: clinical testing. Allele origin: germline.
Comment: Absent from controls (or at extremely low frequency if recessive) in Genome Aggregation Database.;Well-established in vitro or in vivo functional studies supportive of a damaging effect on the gene or gene product.;For recessive disorders, detected in trans with a pathogenic variant.;Patient's phenotype or family history is highly specific for a disease with a single genetic etiology.;Co-segregation with disease in multiple affected family members.

Pathology and Clinical Laboratory Medicine, King Fahad Medical City
Classification: Pathogenic for Holocarboxylase synthetase deficiency. Review status: criteria provided, single submitter. Criteria: ACMG Guidelines, 2015. Collection method: clinical testing. Allele origin: germline. Affected: yes. Observed: 2 variant alleles.

Counsyl
Classification: Pathogenic for Holocarboxylase synthetase deficiency. Last evaluated: 2017-05-05. Review status: no assertion criteria provided. Collection method: clinical testing. Allele origin: unknown. Not counted in ClinVar's aggregate classification.

OMIM
Classification: Pathogenic for HOLOCARBOXYLASE SYNTHETASE DEFICIENCY. Last evaluated: 2001-11-01. Review status: no assertion criteria provided. Collection method: literature only. Allele origin: germline. Not counted in ClinVar's aggregate classification.

Neonatal Disease Screening Center, Medical Genetics Center, Huaihua City Maternal and Child Health Care Hospital
Classification: Pathogenic for Holocarboxylase synthetase deficiency. Review status: no assertion criteria provided. Criteria: ACMG Guidelines, 2015. Collection method: clinical testing. Allele origin: germline. Affected: yes. Observed: 1 variant allele. Not counted in ClinVar's aggregate classification.
Comment: PS3+PM2_P+PM3_S+PP3

Literature cited by the submitters: PubMed 9870216 (cited by Natera, Inc. and Counsyl); PubMed 8817339 (cited by 3 submitters); PubMed 11185745 (cited by Labcorp Genetics (formerly Invitae), Labcorp and Counsyl); PubMed 16231399 (cited by Labcorp Genetics (formerly Invitae), Labcorp and Women's Health and Genetics/Laboratory Corporation of America, LabCorp); PubMed 17407983 (cited by Labcorp Genetics (formerly Invitae), Labcorp); PubMed 21874615 (cited by 3 submitters); PubMed 10068510 (cited by Labcorp Genetics (formerly Invitae), Labcorp); PubMed 20026029 (cited by 3 submitters); PubMed 10190325 (cited by Victorian Clinical Genetics Services, Murdoch Childrens Research Institute); PubMed 12633764 (cited by 3 submitters); PubMed 32358368 (cited by Victorian Clinical Genetics Services, Murdoch Childrens Research Institute); PubMed 20095979 (cited by Counsyl); PubMed 11735028 (cited by Counsyl and OMIM); PubMed 19157941 (cited by Counsyl); PubMed 12124727 (cited by Counsyl).

NM_001352514.2(HLCS):c.1963C>T (p.Arg655Trp)

Gene: HLCS (holocarboxylase synthetase; minus strand). Cytogenetic location: 21q22.13.
Variant type: single nucleotide variant.
Coding change: c.1963C>T on transcript NM_001352514.2 (MANE Select); coding-DNA position 1963, C replaced by T.
Protein change: p.Arg655Trp; replaces arginine 655 with tryptophan.
Molecular consequence: missense variant. On other transcripts: non-coding transcript variant (2).
Genome position (GRCh38, 1-based): chr21:36,765,170, G>A on the plus strand (C>T on the coding strand, the complement: HLCS is on the minus strand). VCF-style: chr21-36765170-G-A. GRCh37 (hg19) VCF-style: chr21-38137471-G-A.
Other names: c.1522C>T, p.Arg508Trp (NM_000411.8, NM_001242784.3, NM_001242785.2 and 4 more transcripts); c.1522C>T (NM_000411.7); short protein forms R508W, R655W.
Identifiers: ClinVar variation 1909 (VCV000001909.32), dbSNP rs119103229, ClinGen allele CA278020.